The following is an entry in ClinVar:

NM_003000.3(SDHB):c.10G>A (p.Val4Met)

Gene: SDHB (succinate dehydrogenase complex iron sulfur subunit B; minus strand). Cytogenetic location: 1p36.13.
Variant type: single nucleotide variant.
Coding change: c.10G>A on transcript NM_003000.3 (MANE Select); coding-DNA position 10, G replaced by A.
Protein change: p.Val4Met; replaces valine 4 with methionine.
Molecular consequence: missense variant.
Genome position (GRCh38, 1-based): chr1:17,054,010, C>T on the plus strand (G>A on the coding strand, the complement: SDHB is on the minus strand). VCF-style: chr1-17054010-C-T. GRCh37 (hg19) VCF-style: chr1-17380505-C-T.
Other names: short protein forms V4M.
Identifiers: ClinVar variation 1054509 (VCV001054509.5), dbSNP rs2101551949, ClinGen allele CA338230872.

ClinVar aggregate classification (germline): Uncertain significance (1 of 4 stars; one submission).

Conditions:
Pheochromocytoma. Also called: MAX-Related Hereditary Paraganglioma-Pheochromocytoma Syndrome. Identifiers: Orphanet 29072, MedGen C0031511, MONDO:0008233, OMIM 171300, HP:0002666.
Gastrointestinal stromal tumor. Also called: Gastrointestinal stromal tumor, somatic; Gastrointestinal stroma tumor. Identifiers: Orphanet 44890, MedGen C0238198, MeSH D046152, MONDO:0011719, OMIM 606764, HP:0100723.
Pheochromocytoma/paraganglioma syndrome 4. Also called: CAROTID BODY TUMORS AND MULTIPLE EXTRAADRENAL PHEOCHROMOCYTOMAS; SDHB-Related Hereditary Paraganglioma-Pheochromocytoma Syndrome (Paragangliomas 4); Paragangliomas 4; SDHB-Related Hereditary Paraganglioma-Pheochromocytoma Syndrome; PARAGANGLIOMA, FAMILIAL MALIGNANT; PARAGANGLIOMAS, HEREDITARY EXTRAADRENAL. Identifiers: Orphanet 29072, MedGen C1861848, MONDO:0007273, OMIM 115310.

gnomAD v4.1: 4 of 1,610,918 alleles (0.00025%); highest among the groups gnomAD compares: Non-Finnish European, 0.00034%; no homozygotes.

Submission:

Labcorp Genetics (formerly Invitae), Labcorp
Classification: Uncertain significance for Gastrointestinal stromal tumor; Pheochromocytoma/paraganglioma syndrome 4; Pheochromocytoma. Last evaluated: 2022-08-09. Review status: criteria provided, single submitter. Criteria: Invitae Variant Classification Sherloc (09022015). Collection method: clinical testing. Allele origin: germline.
Comment: This sequence change replaces valine, which is neutral and non-polar, with methionine, which is neutral and non-polar, at codon 4 of the SDHB protein (p.Val4Met). This variant is not present in population databases (gnomAD no frequency). This variant has not been reported in the literature in individuals affected with SDHB-related conditions. ClinVar contains an entry for this variant (Variation ID: 1054509). Advanced modeling of protein sequence and biophysical properties (such as structural, functional, and spatial information, amino acid conservation, physicochemical variation, residue mobility, and thermodynamic stability) performed at Invitae indicates that this missense variant is not expected to disrupt SDHB protein function. In summary, the available evidence is currently insufficient to determine the role of this variant in disease. Therefore, it has been classified as a Variant of Uncertain Significance.